The following is an entry in ClinVar:

ClinVar aggregate classification (germline): Likely benign. Review status: criteria provided, single submitter (1 of 4 stars). 2 submissions from 2 submitters: Likely benign (1). 1 of the submissions does not count toward it. Last evaluated 2025-03-05.

Conditions:
HLCS-related disorder. Also called: HLCS-related condition.
Holocarboxylase synthetase deficiency. Also called: MULTIPLE CARBOXYLASE DEFICIENCY, EARLY ONSET. Identifiers: Orphanet 79242, MedGen C0268581, MONDO:0009666, OMIM 253270.

Allele frequency attached by ClinVar (database versions not stated): TOPMed 0.00001.
gnomAD v4.1: 3 of 1,614,208 alleles (0.00019%); highest among the groups gnomAD compares: Middle Eastern, 0.016%; no homozygotes.

Submissions (2):

Labcorp Genetics (formerly Invitae), Labcorp
Classification: Likely benign for Holocarboxylase synthetase deficiency. Last evaluated: 2025-03-05. Review status: criteria provided, single submitter. Criteria: Invitae Variant Classification Sherloc (09022015). Collection method: clinical testing. Allele origin: germline.

PreventionGenetics, part of Exact Sciences
Classification: Likely benign for HLCS-related condition. Last evaluated: 2019-08-22. Review status: no assertion criteria provided. Collection method: clinical testing. Allele origin: germline. Not counted in ClinVar's aggregate classification.
Comment: This variant is classified as likely benign based on ACMG/AMP sequence variant interpretation guidelines (Richards et al. 2015 PMID: 25741868, with internal and published modifications).

NM_001352514.2(HLCS):c.2067G>A (p.Gln689=)

Gene: HLCS (holocarboxylase synthetase; minus strand). Cytogenetic location: 21q22.13.
Variant type: single nucleotide variant.
Coding change: c.2067G>A on transcript NM_001352514.2 (MANE Select); coding-DNA position 2067, G replaced by A.
Protein change: p.Gln689=; no amino-acid change (glutamine 689 retained).
Molecular consequence: synonymous variant. On other transcripts: non-coding transcript variant (2).
Genome position (GRCh38, 1-based): chr21:36,765,066, C>T on the plus strand (G>A on the coding strand, the complement: HLCS is on the minus strand). VCF-style: chr21-36765066-C-T. GRCh37 (hg19) VCF-style: chr21-38137367-C-T.
Other names: c.1626G>A, p.Gln542= (NM_000411.8, NM_001242784.3, NM_001242785.2 and 4 more transcripts); c.1626G>A (NM_000411.6).
Identifiers: ClinVar variation 1578525 (VCV001578525.9), dbSNP rs2089984668, ClinGen allele CA512080656.
Genomic context (GRCh38, chr21:36,765,066, plus strand): 5'-ACCTACCTGATACTCGGGAATGGACCTCACTGCTTCCACGACAGCCACGGACATCAGATG[C>T]TGGACAAACGGGATCCTCTGTCCCAGCTGGGATCTCAGTGGAATGGAGATGAGCAGAGTA-3'
Protein context (NP_001339443.1, residues 679-699): SQLGQRIPFV[Gln689=]HLMSVAVVEA